The following is an entry in ClinVar:

ClinVar aggregate classification (germline): Uncertain significance (1 of 4 stars; one submission).

Conditions:
Dilated cardiomyopathy 1G (CMD1G). Identifiers: Orphanet 154, MedGen C1858763, MONDO:0011400, OMIM 604145.
Autosomal recessive limb-girdle muscular dystrophy type 2J (LGMDR10). Also called: Limb-girdle muscular dystrophy, type 2J; MUSCULAR DYSTROPHY, LIMB-GIRDLE, AUTOSOMAL RECESSIVE 10. Identifiers: Orphanet 140922, MedGen C1837342, MONDO:0012127, OMIM 608807.

Submission:

Labcorp Genetics (formerly Invitae), Labcorp
Classification: Uncertain significance for Dilated cardiomyopathy 1G; Autosomal recessive limb-girdle muscular dystrophy type 2J. Last evaluated: 2021-10-16. Review status: criteria provided, single submitter. Criteria: Invitae Variant Classification Sherloc (09022015). Collection method: clinical testing. Allele origin: germline.
Comment: This variant is located in the M band of TTN (PMID: 25589632). Variants in this region may be relevant for neuromuscular disorders, but have not been definitively shown to cause cardiomyopathy (PMID: 23975875). In summary, the available evidence is currently insufficient to determine the role of this variant in disease. Therefore, it has been classified as a Variant of Uncertain Significance. Experimental studies and prediction algorithms are not available or were not evaluated, and the functional significance of this variant is currently unknown. This variant has not been reported in the literature in individuals affected with TTN-related conditions. This variant is not present in population databases (ExAC no frequency). This sequence change replaces alanine with valine at codon 33963 of the TTN protein (p.Ala33963Val). There is a small physicochemical difference between alanine and valine.

Literature cited by the submitters: PubMed 25589632; PubMed 23975875.

NM_001267550.2(TTN):c.101888C>T (p.Ala33963Val)

Genes: TTN (titin; minus strand), TTN-AS1 (TTN antisense RNA 1; plus strand). Cytogenetic location: 2q31.2.
Variant type: single nucleotide variant.
Coding change: c.101888C>T on transcript NM_001267550.2 (MANE Select); coding-DNA position 101888, C replaced by T.
Protein change: p.Ala33963Val; replaces alanine 33963 with valine.
Molecular consequence: missense variant.
Genome position (GRCh38, 1-based): chr2:178,534,727, G>A on the plus strand (C>T on the coding strand, the complement: TTN is on the minus strand). VCF-style: chr2-178534727-G-A. GRCh37 (hg19) VCF-style: chr2-179399454-G-A.
Other names: c.96965C>T, p.Ala32322Val (NM_001256850.1); c.74693C>T, p.Ala24898Val (NM_003319.4); c.94184C>T, p.Ala31395Val (NM_133378.4); c.75068C>T, p.Ala25023Val (NM_133432.3); c.75269C>T, p.Ala25090Val (NM_133437.4); short protein forms A31395V, A32322V, A33963V, A24898V, A25023V, A25090V.
Identifiers: ClinVar variation 1497424 (VCV001497424.6), dbSNP rs2154136158, ClinGen allele CA349419077.